The following is an entry in ClinVar:

NM_152383.5(DIS3L2):c.211-8T>G

Gene: DIS3L2 (DIS3 like 3'-5' exoribonuclease 2; plus strand). Cytogenetic location: 2q37.1.
Variant type: single nucleotide variant.
Coding change: c.211-8T>G on transcript NM_152383.5 (MANE Select); 8 bases into the intron before coding-DNA position 211, T replaced by G.
Molecular consequence: intron variant.
Genome position (GRCh38, 1-based): chr2:232,024,269, T>G. VCF-style: chr2-232024269-T-G. GRCh37 (hg19) VCF-style: chr2-232888979-T-G.
Other names: c.211-8T>G (NM_001257281.2, NM_001257282.2).
Identifiers: ClinVar variation 947478 (VCV000947478.9), dbSNP rs1694597461, ClinGen allele CA1139657778.

ClinVar aggregate classification (germline): Uncertain significance (1 of 4 stars; one submission).

Conditions:
Perlman syndrome (PRLMNS). Identifiers: Orphanet 2849, MedGen C0796113, MONDO:0009965, OMIM 267000.

Allele frequency attached by ClinVar (database versions not stated): gnomAD exomes below 0.00001.
gnomAD v4.1: 1 of 1,584,300 alleles (0.000063%); highest among the groups gnomAD compares: Non-Finnish European, 0.000086%; no homozygotes.

Submission:

Labcorp Genetics (formerly Invitae), Labcorp
Classification: Uncertain significance for Perlman syndrome. Last evaluated: 2019-06-29. Review status: criteria provided, single submitter. Criteria: Invitae Variant Classification Sherloc (09022015). Collection method: clinical testing. Allele origin: germline.
Comment: This sequence change falls in intron 3 of the DIS3L2 gene. It does not directly change the encoded amino acid sequence of the DIS3L2 protein. This variant is not present in population databases (ExAC no frequency). This variant has not been reported in the literature in individuals with DIS3L2-related conditions. Algorithms developed to predict the effect of sequence changes on RNA splicing suggest that this variant may disrupt the consensus splice site, but this prediction has not been confirmed by published transcriptional studies. In summary, the available evidence is currently insufficient to determine the role of this variant in disease. Therefore, it has been classified as a Variant of Uncertain Significance.